The following is an entry in ClinVar:

ClinVar aggregate classification (germline): Uncertain significance (1 of 4 stars; one submission).

gnomAD v4.1: 3 of 1,597,528 alleles (0.00019%); highest among the groups gnomAD compares: South Asian, 0.0022%; no homozygotes.

Submission:

GeneDx
Classification: Uncertain significance. Last evaluated: 2026-02-25. Review status: criteria provided, single submitter. Criteria: GeneDx Variant Classification Process June 2021. Collection method: clinical testing. Allele origin: germline.
Comment: Not observed at significant frequency in large population cohorts (gnomAD); In silico analysis suggests that this missense variant does not alter protein structure/function; Has not been previously published as pathogenic or benign to our knowledge

NM_000147.5(FUCA1):c.310G>A (p.Ala104Thr)

Gene: FUCA1 (alpha-L-fucosidase 1; minus strand). Cytogenetic location: 1p36.11.
Variant type: single nucleotide variant.
Coding change: c.310G>A on transcript NM_000147.5 (MANE Select); coding-DNA position 310, G replaced by A.
Protein change: p.Ala104Thr; replaces alanine 104 with threonine.
Molecular consequence: missense variant. On other transcripts: non-coding transcript variant (4).
Genome position (GRCh38, 1-based): chr1:23,867,977, C>T on the plus strand (G>A on the coding strand, the complement: FUCA1 is on the minus strand). VCF-style: chr1-23867977-C-T. GRCh37 (hg19) VCF-style: chr1-24194467-C-T.
Other names: short protein forms A104T.
Identifiers: ClinVar variation 5010089 (VCV005010089.1).